The following is an entry in ClinVar:

NM_003482.4(KMT2D):c.664G>A (p.Ala222Thr)

Gene: KMT2D (lysine methyltransferase 2D; minus strand). Cytogenetic location: 12q13.12.
Variant type: single nucleotide variant.
Coding change: c.664G>A on transcript NM_003482.4 (MANE Select); coding-DNA position 664, G replaced by A.
Protein change: p.Ala222Thr; replaces alanine 222 with threonine.
Molecular consequence: missense variant.
Genome position (GRCh38, 1-based): chr12:49,053,987, C>T on the plus strand (G>A on the coding strand, the complement: KMT2D is on the minus strand). VCF-style: chr12-49053987-C-T. GRCh37 (hg19) VCF-style: chr12-49447770-C-T.
Other names: short protein forms A222T.
Identifiers: ClinVar variation 3574877 (VCV003574877.3).

ClinVar aggregate classification (germline): Uncertain significance. Review status: criteria provided, multiple submitters, no conflicts (2 of 4 stars). 2 submissions from 2 submitters: Uncertain significance (2). Last evaluated 2025-05-14.

Conditions:
Kabuki syndrome. Also called: NIIKAWA-KUROKI SYNDROME; Kabuki make-up syndrome. Identifiers: Orphanet 2322, MedGen C0796004, MONDO:0016512.
Choanal atresia-athelia-hypothyroidism-delayed puberty-short stature syndrome (BCAHH). Also called: BRANCHIAL ARCH ABNORMALITIES, CHOANAL ATRESIA, ATHELIA, HEARING LOSS, AND HYPOTHYROIDISM SYNDROME. Identifiers: Orphanet 589856, MedGen C5680310, MONDO:0035651, OMIM 620186.
Kabuki syndrome 1 (KABUK1). Also called: KMT2D-Related Kabuki Syndrome. Identifiers: Orphanet 2322, MedGen CN030661, MONDO:0007843, OMIM 147920.

Submissions (2):

Labcorp Genetics (formerly Invitae), Labcorp
Classification: Uncertain significance for Kabuki syndrome. Last evaluated: 2025-05-14. Review status: criteria provided, single submitter. Criteria: Invitae Variant Classification Sherloc (09022015). Collection method: clinical testing. Allele origin: germline.
Comment: This sequence change replaces alanine, which is neutral and non-polar, with threonine, which is neutral and polar, at codon 222 of the KMT2D protein (p.Ala222Thr). This variant is not present in population databases (gnomAD no frequency). This variant has not been reported in the literature in individuals affected with KMT2D-related conditions. ClinVar contains an entry for this variant (Variation ID: 3574877). Invitae Evidence Modeling of protein sequence and biophysical properties (such as structural, functional, and spatial information, amino acid conservation, physicochemical variation, residue mobility, and thermodynamic stability) indicates that this missense variant is not expected to disrupt KMT2D protein function with a negative predictive value of 95%. In summary, the available evidence is currently insufficient to determine the role of this variant in disease. Therefore, it has been classified as a Variant of Uncertain Significance.

Fulgent Genetics
Classification: Uncertain significance for Kabuki syndrome 1; Choanal atresia-athelia-hypothyroidism-delayed puberty-short stature syndrome. Last evaluated: 2024-05-23. Review status: criteria provided, single submitter. Criteria: ACMG Guidelines, 2015. Collection method: clinical testing. Allele origin: germline.